The following is an entry in ClinVar:

ClinVar aggregate classification (germline): Uncertain significance. Review status: criteria provided, multiple submitters, no conflicts (2 of 4 stars). 2 submissions from 2 submitters: Uncertain significance (2). Last evaluated 2026-08-10.

Conditions:
Congenital contractural arachnodactyly (CCA). Also called: Arthrogryposis, distal, type 9; BEALS SYNDROME; Beals-Hecht syndrome. Identifiers: Orphanet 115, MedGen C0220668, MONDO:0007363, OMIM 121050.
Familial thoracic aortic aneurysm and aortic dissection (TAAD). Also called: Thoracic aortic aneurysms and dissections. Identifiers: Orphanet 91387, MedGen C4707243, MONDO:0019625.

Allele frequency attached by ClinVar (database versions not stated): TOPMed below 0.00001.

Submissions (2):

Ambry Genetics
Classification: Uncertain significance for Familial thoracic aortic aneurysm and aortic dissection. Last evaluated: 2026-08-10. Review status: criteria provided, single submitter. Criteria: Ambry Variant Classification Scheme 2023. Collection method: clinical testing. Allele origin: germline.
Comment: The p.L825F variant (also known as c.2475G>T), located in coding exon 19 of the FBN2 gene, results from a G to T substitution at nucleotide position 2475. The leucine at codon 825 is replaced by phenylalanine, an amino acid with highly similar properties. This amino acid position is conserved. In addition, this alteration is predicted to be tolerated by in silico analysis. Based on the available evidence, the clinical significance of this variant remains unclear.

Labcorp Genetics (formerly Invitae), Labcorp
Classification: Uncertain significance for Congenital contractural arachnodactyly. Last evaluated: 2023-06-10. Review status: criteria provided, single submitter. Criteria: Invitae Variant Classification Sherloc (09022015). Collection method: clinical testing. Allele origin: germline.
Comment: This variant has not been reported in the literature in individuals affected with FBN2-related conditions. This variant is not present in population databases (gnomAD no frequency). This sequence change replaces leucine, which is neutral and non-polar, with phenylalanine, which is neutral and non-polar, at codon 825 of the FBN2 protein (p.Leu825Phe). Advanced modeling of protein sequence and biophysical properties (such as structural, functional, and spatial information, amino acid conservation, physicochemical variation, residue mobility, and thermodynamic stability) has been performed at Invitae for this missense variant, however the output from this modeling did not meet the statistical confidence thresholds required to predict the impact of this variant on FBN2 protein function. In summary, the available evidence is currently insufficient to determine the role of this variant in disease. Therefore, it has been classified as a Variant of Uncertain Significance.

NM_001999.4(FBN2):c.2475G>T (p.Leu825Phe)

Gene: FBN2 (fibrillin 2; minus strand). Cytogenetic location: 5q23.3.
Variant type: single nucleotide variant.
Coding change: c.2475G>T on transcript NM_001999.4 (MANE Select); coding-DNA position 2475, G replaced by T.
Protein change: p.Leu825Phe; replaces leucine 825 with phenylalanine.
Molecular consequence: missense variant.
Genome position (GRCh38, 1-based): chr5:128,361,802, C>A on the plus strand (G>T on the coding strand, the complement: FBN2 is on the minus strand). VCF-style: chr5-128361802-C-A. GRCh37 (hg19) VCF-style: chr5-127697495-C-A.
Other names: c.2475G>T (NM_001999.3); short protein forms L825F.
Identifiers: ClinVar variation 3011035 (VCV003011035.4), dbSNP rs1751646423, ClinGen allele CA360768076.
Genomic context (GRCh38, chr5:128,361,802, plus strand): 5'-AGTCCTGAACACATACCCTGGTGGGCACGTACAGCTGTAACTTCCTGGCGTGTTTCGGCA[C>A]AATCCGTTATCACAAAGCAGTCTGTTTACTAAACATTCATCAATGTCTGAAAGCAACGAT-3'
Protein context (NP_001990.2, residues 815-835): LVNRLLCDNG[Leu825Phe]CRNTPGSYSC